The following is an entry in ClinVar:

ClinVar aggregate classification (germline): Uncertain significance (1 of 4 stars; one submission).

Conditions:
Loeys-Dietz syndrome 4 (LDS4). Also called: ANEURYSM, AORTIC AND CEREBRAL, WITH ARTERIAL TORTUOSITY AND SKELETAL MANIFESTATIONS; TGFB2-Related Loeys-Dietz Syndrome. Identifiers: MedGen C3553762, MONDO:0013897, OMIM 614816.

Submission:

Labcorp Genetics (formerly Invitae), Labcorp
Classification: Uncertain significance for Loeys-Dietz syndrome 4. Last evaluated: 2026-01-01. Review status: criteria provided, single submitter. Criteria: Invitae Variant Classification Sherloc (09022015). Collection method: clinical testing. Allele origin: germline.
Comment: This sequence change replaces leucine, which is neutral and non-polar, with valine, which is neutral and non-polar, at codon 27 of the TGFB2 protein (p.Leu27Val). This variant is not present in population databases (gnomAD no frequency). This variant has not been reported in the literature in individuals affected with TGFB2-related conditions. Invitae Evidence Modeling of protein sequence and biophysical properties (such as structural, functional, and spatial information, amino acid conservation, physicochemical variation, residue mobility, and thermodynamic stability) indicates that this missense variant is not expected to disrupt TGFB2 protein function with a negative predictive value of 95%. In summary, the available evidence is currently insufficient to determine the role of this variant in disease. Therefore, it has been classified as a Variant of Uncertain Significance.

NM_003238.6(TGFB2):c.79C>G (p.Leu27Val)

Gene: TGFB2 (transforming growth factor beta 2; plus strand). Cytogenetic location: 1q41.
Variant type: single nucleotide variant.
Coding change: c.79C>G on transcript NM_003238.6 (MANE Select); coding-DNA position 79, C replaced by G.
Protein change: p.Leu27Val; replaces leucine 27 with valine.
Molecular consequence: missense variant. On other transcripts: non-coding transcript variant (2).
Genome position (GRCh38, 1-based): chr1:218,346,780, C>G. VCF-style: chr1-218346780-C-G. GRCh37 (hg19) VCF-style: chr1-218520122-C-G.
Other names: c.79C>G, p.Leu27Val (NM_001135599.4); short protein forms L27V.
Identifiers: ClinVar variation 4800043 (VCV004800043.1).
Genomic context (GRCh38, chr1:218,346,780, plus strand): 5'-AGCGCTTTTCTGATCCTGCATCTGGTCACGGTCGCGCTCAGCCTGTCTACCTGCAGCACA[C>G]TCGATATGGACCAGTTCATGCGCAAGAGGATCGAGGCGATCCGCGGGCAGATCCTGAGCA-3'
Protein context (NP_003229.1, residues 17-37): VALSLSTCST[Leu27Val]DMDQFMRKRI